The following is an entry in ClinVar:

ClinVar aggregate classification (germline): Uncertain significance (1 of 4 stars; one submission).

Conditions:
Multiple acyl-CoA dehydrogenase deficiency (MADD). Also called: ETHYLMALONIC-ADIPICACIDURIA; GA II; Glutaric aciduria, type 2; Glutaric acidemia type II; GA 2; Glutaric Acidemia type 2. Identifiers: Orphanet 26791, MedGen C0268596, MONDO:0009282, OMIM 231680.

Submission:

Labcorp Genetics (formerly Invitae), Labcorp
Classification: Uncertain significance for Multiple acyl-CoA dehydrogenase deficiency. Last evaluated: 2022-09-13. Review status: criteria provided, single submitter. Criteria: Invitae Variant Classification Sherloc (09022015). Collection method: clinical testing. Allele origin: germline.
Comment: In summary, the available evidence is currently insufficient to determine the role of this variant in disease. Therefore, it has been classified as a Variant of Uncertain Significance. Advanced modeling of protein sequence and biophysical properties (such as structural, functional, and spatial information, amino acid conservation, physicochemical variation, residue mobility, and thermodynamic stability) performed at Invitae indicates that this missense variant is expected to disrupt ETFA protein function. This variant has not been reported in the literature in individuals affected with ETFA-related conditions. This variant is not present in population databases (gnomAD no frequency). This sequence change replaces glycine, which is neutral and non-polar, with valine, which is neutral and non-polar, at codon 57 of the ETFA protein (p.Gly57Val).

NM_000126.4(ETFA):c.170G>T (p.Gly57Val)

Gene: ETFA (electron transfer flavoprotein subunit alpha; minus strand). Cytogenetic location: 15q24.2.
Variant type: single nucleotide variant.
Coding change: c.170G>T on transcript NM_000126.4 (MANE Select); coding-DNA position 170, G replaced by T.
Protein change: p.Gly57Val; replaces glycine 57 with valine.
Molecular consequence: missense variant. On other transcripts: intron variant (1).
Genome position (GRCh38, 1-based): chr15:76,295,607, C>A on the plus strand (G>T on the coding strand, the complement: ETFA is on the minus strand). VCF-style: chr15-76295607-C-A. GRCh37 (hg19) VCF-style: chr15-76587948-C-A.
Other names: c.40-2907G>T (NM_001127716.2); short protein forms G57V.
Identifiers: ClinVar variation 2106030 (VCV002106030.4), dbSNP rs146299082, ClinGen allele CA393517810.